The following is an entry in ClinVar:

ClinVar aggregate classification (germline): Likely benign (1 of 4 stars; one submission).

Allele frequency attached by ClinVar (database versions not stated): ExAC 0.00001; gnomAD exomes 0.00003.

Submission:

CeGaT Center for Human Genetics Tuebingen
Classification: Likely benign. Last evaluated: 2026-07-01. Review status: criteria provided, single submitter. Criteria: CeGaT Center For Human Genetics Tuebingen Variant Classification Criteria Version 2. Collection method: clinical testing. Allele origin: germline. Affected: yes. Observed: 11 variant alleles.
Comment: MUC21: BP4, BP7

NM_001010909.5(MUC21):c.1140C>T (p.Ser380=)

Genes: MUC21 (mucin 21, cell surface associated; plus strand), LOC126859647 (CDK7 strongly-dependent group 2 enhancer GRCh37_chr6:30954612-30955811; plus strand). Cytogenetic location: 6p21.33.
Variant type: single nucleotide variant.
Coding change: c.1140C>T on transcript NM_001010909.5 (MANE Select); coding-DNA position 1140, C replaced by T.
Protein change: p.Ser380=; no amino-acid change (serine 380 retained).
Molecular consequence: synonymous variant. On other transcripts: non-coding transcript variant (1).
Genome position (GRCh38, 1-based): chr6:30,987,315, C>T. VCF-style: chr6-30987315-C-T. GRCh37 (hg19) VCF-style: chr6-30955092-C-T.
Other names: c.1230C>T, p.Ser410= (NM_001322370.2, NM_001322371.2).
Identifiers: ClinVar variation 2656378 (VCV002656378.24), dbSNP rs778531283, ClinGen allele CA3707428.